The following is an entry in ClinVar:

NM_001278512.2(AP3B2):c.892A>C (p.Met298Leu)

Genes: AP3B2 (adaptor related protein complex 3 subunit beta 2; minus strand), CPEB1-AS1 (CPEB1 antisense RNA 1; plus strand). Cytogenetic location: 15q25.2.
Variant type: single nucleotide variant.
Coding change: c.892A>C on transcript NM_001278512.2 (MANE Select); coding-DNA position 892, A replaced by C.
Protein change: p.Met298Leu; replaces methionine 298 with leucine.
Molecular consequence: missense variant.
Genome position (GRCh38, 1-based): chr15:82,680,635, T>G on the plus strand (A>C on the coding strand, the complement: AP3B2 is on the minus strand). VCF-style: chr15-82680635-T-G. GRCh37 (hg19) VCF-style: chr15-83349387-T-G.
Other names: c.796A>C, p.Met266Leu (NM_001278511.2); c.892A>C, p.Met298Leu (NM_004644.5); short protein forms M298L, M266L.
Identifiers: ClinVar variation 1505952 (VCV001505952.5), dbSNP rs544493596, ClinGen allele CA393295070.

ClinVar aggregate classification (germline): Uncertain significance (1 of 4 stars; one submission).

gnomAD v4.1: 10 of 1,595,664 alleles (0.00063%); highest among the groups gnomAD compares: Non-Finnish European, 0.00085%; no homozygotes.

Submission:

Labcorp Genetics (formerly Invitae), Labcorp
Classification: Uncertain significance. Last evaluated: 2022-06-29. Review status: criteria provided, single submitter. Criteria: Invitae Variant Classification Sherloc (09022015). Collection method: clinical testing. Allele origin: germline.
Comment: This sequence change replaces methionine, which is neutral and non-polar, with leucine, which is neutral and non-polar, at codon 298 of the AP3B2 protein (p.Met298Leu). This variant is not present in population databases (gnomAD no frequency). This variant has not been reported in the literature in individuals affected with AP3B2-related conditions. Algorithms developed to predict the effect of missense changes on protein structure and function (SIFT, PolyPhen-2, Align-GVGD) all suggest that this variant is likely to be tolerated. In summary, the available evidence is currently insufficient to determine the role of this variant in disease. Therefore, it has been classified as a Variant of Uncertain Significance.